The following is an entry in ClinVar:

ClinVar aggregate classification (germline): Pathogenic (1 of 4 stars; one submission).

Conditions:
Curry-Hall syndrome (WAD). Also called: WEYERS ACRODENTAL DYSOSTOSIS. Identifiers: Orphanet 952, MedGen C0457013, MONDO:0008673, OMIM 193530.
Ellis-van Creveld syndrome (EVC). Also called: EVC-Related Ellis-van Creveld Syndrome; EVC2-Related Ellis-van Creveld Syndrome; MESOECTODERMAL DYSPLASIA; Chondroectodermal dysplasia. Identifiers: Orphanet 289, MedGen C0013903, MONDO:0009162, OMIM 225500.

Submission:

Labcorp Genetics (formerly Invitae), Labcorp
Classification: Pathogenic for Curry-Hall syndrome; Ellis-van Creveld syndrome. Last evaluated: 2023-06-16. Review status: criteria provided, single submitter. Criteria: Invitae Variant Classification Sherloc (09022015). Collection method: clinical testing. Allele origin: germline.
Comment: ClinVar contains an entry for this variant (Variation ID: 1070195). For these reasons, this variant has been classified as Pathogenic. This variant has not been reported in the literature in individuals affected with EVC2-related conditions. This sequence change creates a premature translational stop signal (p.Phe302Serfs*11) in the EVC2 gene. It is expected to result in an absent or disrupted protein product. Loss-of-function variants in EVC2 are known to be pathogenic (PMID: 17024374, 19810119, 19876929). This variant is present in population databases (no rsID available, gnomAD 0.06%).

Literature cited by the submitters: PubMed 17024374; PubMed 19810119; PubMed 19876929.

NM_147127.5(EVC2):c.903del (p.Phe302fs)

Gene: EVC2 (EvC ciliary complex subunit 2; minus strand). Cytogenetic location: 4p16.2.
Variant type: Deletion.
Coding change: c.903del on transcript NM_147127.5 (MANE Select); coding-DNA position 903, one base deleted (G; older notation c.903delG).
Protein change: p.Phe302fs; shifts the reading frame from phenylalanine 302.
Molecular consequence: frameshift variant.
Genome position (GRCh38, 1-based): chr4:5,665,617, C deleted on the plus strand (G on the coding strand, the reverse complement: EVC2 is on the minus strand); the first of 3 consecutive C bases (chr4:5,665,617-5,665,619); deleting any one gives the same sequence. VCF-style (leftmost placement, unchanged base first): chr4-5665616-AC-A. GRCh37 (hg19) VCF-style: chr4-5667343-AC-A.
Other names: c.663del, p.Phe222fs (NM_001166136.2); short protein forms F222fs, F302fs.
Identifiers: ClinVar variation 1070195 (VCV001070195.8), dbSNP rs1560208675, ClinGen allele CA549394543.
Genomic context (GRCh38, chr4:5,665,616, plus strand): 5'-GAACCATGAGGAAGAGGGCAGCCCAGGTCAGCACAAGGGAGAGGAGGAAGGCAATGAAGA[AC>A]CCTGCTGCGTGGAGGCCGTGGTGCGGCAGAACCTGTGGAGACAAGAGGAGAGCAGGATTC-3'